The following is an entry in ClinVar:

ClinVar aggregate classification (germline): Uncertain significance (1 of 4 stars; one submission).

Conditions:
Nephronophthisis. Also called: Juvenile Nephronophthisis. Identifiers: Orphanet 655, MedGen C0687120, MONDO:0019005, HP:0000090.

gnomAD v4.1: 1 of 1,605,710 alleles (0.000062%); no homozygotes.

Submission:

Labcorp Genetics (formerly Invitae), Labcorp
Classification: Uncertain significance for Nephronophthisis. Last evaluated: 2022-07-19. Review status: criteria provided, single submitter. Criteria: Invitae Variant Classification Sherloc (09022015). Collection method: clinical testing. Allele origin: germline.
Comment: This sequence change replaces arginine, which is basic and polar, with glycine, which is neutral and non-polar, at codon 912 of the NPHP4 protein (p.Arg912Gly). ClinVar contains an entry for this variant (Variation ID: 1435481). This variant has not been reported in the literature in individuals affected with NPHP4-related conditions. This variant is not present in population databases (gnomAD no frequency). In summary, the available evidence is currently insufficient to determine the role of this variant in disease. Therefore, it has been classified as a Variant of Uncertain Significance. Algorithms developed to predict the effect of missense changes on protein structure and function are either unavailable or do not agree on the potential impact of this missense change (SIFT: "Tolerated"; PolyPhen-2: "Possibly Damaging"; Align-GVGD: "Class C0").

NM_015102.5(NPHP4):c.2734C>G (p.Arg912Gly)

Gene: NPHP4 (nephrocystin 4; minus strand). Cytogenetic location: 1p36.31.
Variant type: single nucleotide variant.
Coding change: c.2734C>G on transcript NM_015102.5 (MANE Select); coding-DNA position 2734, C replaced by G.
Protein change: p.Arg912Gly; replaces arginine 912 with glycine.
Molecular consequence: missense variant. On other transcripts: non-coding transcript variant (1).
Genome position (GRCh38, 1-based): chr1:5,877,176, G>C on the plus strand (C>G on the coding strand, the complement: NPHP4 is on the minus strand). VCF-style: chr1-5877176-G-C. GRCh37 (hg19) VCF-style: chr1-5937236-G-C.
Other names: c.1195C>G, p.Arg399Gly (NM_001291593.2); c.1198C>G, p.Arg400Gly (NM_001291594.2); short protein forms R399G, R400G, R912G.
Identifiers: ClinVar variation 1435481 (VCV001435481.6), dbSNP rs368106760, ClinGen allele CA338057318.